The following is an entry in ClinVar:

NM_004069.6(AP2S1):c.386C>T (p.Thr129Met)

Gene: AP2S1 (adaptor related protein complex 2 subunit sigma 1; minus strand). Cytogenetic location: 19q13.32.
Variant type: single nucleotide variant.
Coding change: c.386C>T on transcript NM_004069.6 (MANE Select); coding-DNA position 386, C replaced by T.
Protein change: p.Thr129Met; replaces threonine 129 with methionine.
Molecular consequence: missense variant.
Genome position (GRCh38, 1-based): chr19:46,838,490, G>A on the plus strand (C>T on the coding strand, the complement: AP2S1 is on the minus strand). VCF-style: chr19-46838490-G-A. GRCh37 (hg19) VCF-style: chr19-47341747-G-A.
Other names: c.428C>T, p.Thr143Met (NM_001301078.3); c.392C>T, p.Thr131Met (NM_001301081.3); c.434C>T, p.Thr145Met (NM_001301076.3); c.272C>T, p.Thr91Met (NM_021575.5); short protein forms T145M, T143M, T91M, T129M, T131M.
Identifiers: ClinVar variation 2893299 (VCV002893299.4), dbSNP rs2055451979, ClinGen allele CA406507393.

ClinVar aggregate classification (germline): Uncertain significance. Review status: criteria provided, multiple submitters, no conflicts (2 of 4 stars). 2 submissions from 2 submitters: Uncertain significance (2). Last evaluated 2024-06-10.

Conditions:
Familial hypocalciuric hypercalcemia 3. Also called: Hypocalciuric hypercalcemia, familial, type III; FAMILIAL BENIGN HYPERCALCEMIA, TYPE III; Hypocalciuric hypercalcemia, type III; HYPERCALCEMIA, FAMILIAL BENIGN, OKLAHOMA TYPE. Identifiers: Orphanet 101050, Orphanet 405, MedGen C1833372, MONDO:0010926, OMIM 600740.

Submissions (2):

Fulgent Genetics
Classification: Uncertain significance for Familial hypocalciuric hypercalcemia 3. Last evaluated: 2024-06-10. Review status: criteria provided, single submitter. Criteria: ACMG Guidelines, 2015. Collection method: clinical testing. Allele origin: germline.

Labcorp Genetics (formerly Invitae), Labcorp
Classification: Uncertain significance. Last evaluated: 2023-09-08. Review status: criteria provided, single submitter. Criteria: Invitae Variant Classification Sherloc (09022015). Collection method: clinical testing. Allele origin: germline.
Comment: In summary, the available evidence is currently insufficient to determine the role of this variant in disease. Therefore, it has been classified as a Variant of Uncertain Significance. An algorithm developed to predict the effect of missense changes on protein structure and function (PolyPhen-2) suggests that this variant is likely to be tolerated. This variant has not been reported in the literature in individuals affected with AP2S1-related conditions. This variant is not present in population databases (gnomAD no frequency). This sequence change replaces threonine, which is neutral and polar, with methionine, which is neutral and non-polar, at codon 129 of the AP2S1 protein (p.Thr129Met).